The following is an entry in ClinVar:

NM_031935.3(HMCN1):c.14130T>G (p.Ser4710Arg)

Gene: HMCN1 (hemicentin 1; plus strand). Cytogenetic location: 1q31.1.
Variant type: single nucleotide variant.
Coding change: c.14130T>G on transcript NM_031935.3 (MANE Select); coding-DNA position 14130, T replaced by G.
Protein change: p.Ser4710Arg; replaces serine 4710 with arginine.
Molecular consequence: missense variant.
Genome position (GRCh38, 1-based): chr1:186,144,567, T>G. VCF-style: chr1-186144567-T-G. GRCh37 (hg19) VCF-style: chr1-186113699-T-G.
Other names: short protein forms S4710R.
Identifiers: ClinVar variation 4725523 (VCV004725523.1).

ClinVar aggregate classification (germline): Uncertain significance (1 of 4 stars; one submission).

Submission:

Labcorp Genetics (formerly Invitae), Labcorp
Classification: Uncertain significance. Last evaluated: 2026-01-29. Review status: criteria provided, single submitter. Criteria: Invitae Variant Classification Sherloc (09022015). Collection method: clinical testing. Allele origin: germline.
Comment: This sequence change replaces serine, which is neutral and polar, with arginine, which is basic and polar, at codon 4710 of the HMCN1 protein (p.Ser4710Arg). This variant is not present in population databases (gnomAD no frequency). This variant has not been reported in the literature in individuals affected with HMCN1-related conditions. An algorithm developed to predict the effect of missense changes on protein structure and function (PolyPhen-2) suggests that this variant is likely to be disruptive. In summary, the available evidence is currently insufficient to determine the role of this variant in disease. Therefore, it has been classified as a Variant of Uncertain Significance.